The following is an entry in ClinVar:

NM_004991.4(MECOM):c.1634T>C (p.Leu545Pro)

Gene: MECOM (MDS1 and EVI1 complex locus; minus strand). Cytogenetic location: 3q26.2.
Variant type: single nucleotide variant.
Coding change: c.1634T>C on transcript NM_004991.4 (MANE Select); coding-DNA position 1634, T replaced by C.
Protein change: p.Leu545Pro; replaces leucine 545 with proline.
Molecular consequence: missense variant. On other transcripts: intron variant (2).
Genome position (GRCh38, 1-based): chr3:169,116,238, A>G on the plus strand (T>C on the coding strand, the complement: MECOM is on the minus strand). VCF-style: chr3-169116238-A-G. GRCh37 (hg19) VCF-style: chr3-168834026-A-G.
Other names: c.1265T>C, p.Leu422Pro (NM_001105077.4); c.1070T>C, p.Leu357Pro (NM_001105078.4, NM_001164000.2, NM_001205194.2 and 4 more transcripts); c.1073T>C, p.Leu358Pro (NM_001163999.2, NM_001366467.2, NM_001366468.2 and 1 more transcripts); c.1634T>C, p.Leu545Pro (NM_001366466.2); c.1133-471T>C (NM_001366473.2); c.569-471T>C (NM_001366474.2); short protein forms L422P, L358P, L545P, L357P.
Identifiers: ClinVar variation 3394240 (VCV003394240.1).

ClinVar aggregate classification (germline): Uncertain significance (1 of 4 stars; one submission).

Conditions:
Inborn genetic diseases. Identifiers: MedGen C0950123, MeSH D030342.

gnomAD v4.1: 1 of 1,614,172 alleles (0.000062%); no homozygotes.

Submission:

Ambry Genetics
Classification: Uncertain significance for Inborn genetic diseases. Last evaluated: 2024-10-05. Review status: criteria provided, single submitter. Criteria: Ambry Variant Classification Scheme 2023. Collection method: clinical testing. Allele origin: germline.
Comment: The p.L545P variant (also known as c.1634T>C), located in coding exon 8 of the MECOM gene, results from a T to C substitution at nucleotide position 1634. The leucine at codon 545 is replaced by proline, an amino acid with similar properties. This amino acid position is conserved. In addition, the in silico prediction for this alteration is inconclusive. Based on the available evidence, the clinical significance of this variant remains unclear.